The following is an entry in ClinVar:

NM_000132.4(F8):c.799T>A (p.Cys267Ser)

Gene: F8 (coagulation factor VIII; minus strand). Cytogenetic location: Xq28.
Variant type: single nucleotide variant.
Coding change: c.799T>A on transcript NM_000132.4 (MANE Select); coding-DNA position 799, T replaced by A.
Protein change: p.Cys267Ser; replaces cysteine 267 with serine.
Molecular consequence: missense variant.
Genome position (GRCh38, 1-based): chrX:154,969,541, A>T on the plus strand (T>A on the coding strand, the complement: F8 is on the minus strand). VCF-style: chrX-154969541-A-T. GRCh37 (hg19) VCF-style: chrX-154197816-A-T.
Other names: short protein forms C267S.
Identifiers: ClinVar variation 4848129 (VCV004848129.1).

ClinVar aggregate classification (germline): Uncertain significance (1 of 4 stars; one submission).

Submission:

Women's Health and Genetics/Laboratory Corporation of America, LabCorp
Classification: Uncertain significance. Last evaluated: 2026-02-02. Review status: criteria provided, single submitter. Criteria: LabCorp Variant Classification Summary - May 2015. Collection method: clinical testing. Allele origin: germline.
Comment: Variant summary: F8 c.799T>A (p.Cys267Ser) results in a non-conservative amino acid change in the encoded protein sequence. Algorithms developed to predict the effect of missense changes on protein structure and function all suggest that this variant is likely to be disruptive. The variant was absent in 181952 control chromosomes. The available data on variant occurrences in the general population are insufficient to allow any conclusion about variant significance. To our knowledge, no occurrence of c.799T>A in individuals affected with F8-related conditions and no experimental evidence demonstrating its impact on protein function have been reported. No submitters have cited clinical-significance assessments for this variant to ClinVar. Based on the evidence outlined above, the variant was classified as uncertain significance.